The following is an entry in ClinVar:

ClinVar aggregate classification (germline): Uncertain significance. Review status: criteria provided, multiple submitters, no conflicts (2 of 4 stars). 3 submissions from 3 submitters: Uncertain significance (3). Last evaluated 2025-07-13.

Conditions:
Inborn genetic diseases. Identifiers: MedGen C0950123, MeSH D030342.

Allele frequency attached by ClinVar (database versions not stated): gnomAD 0.00001; TOPMed 0.00002.
gnomAD v4.1: 36 of 1,551,172 alleles (0.0023%); highest among the groups gnomAD compares: Admixed American, 0.0039%; no homozygotes.

Submissions (3):

Ambry Genetics
Classification: Uncertain significance for Inborn genetic diseases. Last evaluated: 2025-07-13. Review status: criteria provided, single submitter. Criteria: Ambry Variant Classification Scheme 2023. Collection method: clinical testing. Allele origin: germline.

Labcorp Genetics (formerly Invitae), Labcorp
Classification: Uncertain significance. Last evaluated: 2025-03-10. Review status: criteria provided, single submitter. Criteria: Invitae Variant Classification Sherloc (09022015). Collection method: clinical testing. Allele origin: germline.
Comment: This sequence change replaces asparagine, which is neutral and polar, with lysine, which is basic and polar, at codon 863 of the EYS protein (p.Asn863Lys). This variant is present in population databases (no rsID available, gnomAD 0.008%). This variant has not been reported in the literature in individuals affected with EYS-related conditions. ClinVar contains an entry for this variant (Variation ID: 2072594). An algorithm developed to predict the effect of missense changes on protein structure and function outputs the following: PolyPhen-2: "Probably Damaging". The lysine amino acid residue is found in multiple mammalian species, which suggests that this missense change does not adversely affect protein function. In summary, the available evidence is currently insufficient to determine the role of this variant in disease. Therefore, it has been classified as a Variant of Uncertain Significance.

Blueprint Genetics
Classification: Uncertain significance. Last evaluated: 2019-08-15. Review status: criteria provided, single submitter. Criteria: ACMG Guidelines, 2015. Collection method: clinical testing. Allele origin: germline.

NM_001142800.2(EYS):c.2589C>G (p.Asn863Lys)

Gene: EYS (EGF-like photoreceptor maintenance factor; minus strand). Cytogenetic location: 6q12.
Variant type: single nucleotide variant.
Coding change: c.2589C>G on transcript NM_001142800.2 (MANE Select); coding-DNA position 2589, C replaced by G.
Protein change: p.Asn863Lys; replaces asparagine 863 with lysine.
Molecular consequence: missense variant.
Genome position (GRCh38, 1-based): chr6:64,912,536, G>C on the plus strand (C>G on the coding strand, the complement: EYS is on the minus strand). VCF-style: chr6-64912536-G-C. GRCh37 (hg19) VCF-style: chr6-65622429-G-C.
Other names: c.2589C>G (NM_001142800.1); c.2589C>G, p.Asn863Lys (NM_001292009.2); short protein forms N863K.
Identifiers: ClinVar variation 2072594 (VCV002072594.4), dbSNP rs770325723, ClinGen allele CA364786177.